The following is an entry in ClinVar:

NM_052947.4(ALPK2):c.952T>A (p.Tyr318Asn)

Genes: ALPK2 (alpha kinase 2; minus strand), LOC114803473 (ALPK2 eExon liver enhancer; plus strand). Cytogenetic location: 18q21.31.
Variant type: single nucleotide variant.
Coding change: c.952T>A on transcript NM_052947.4 (MANE Select); coding-DNA position 952, T replaced by A.
Protein change: p.Tyr318Asn; replaces tyrosine 318 with asparagine.
Molecular consequence: missense variant.
Genome position (GRCh38, 1-based): chr18:58,579,824, A>T on the plus strand (T>A on the coding strand, the complement: ALPK2 is on the minus strand). VCF-style: chr18-58579824-A-T. GRCh37 (hg19) VCF-style: chr18-56247056-A-T.
Other names: short protein forms Y318N.
Identifiers: ClinVar variation 1767289 (VCV001767289.3), dbSNP rs764352947, ClinGen allele CA8977356.

ClinVar aggregate classification (germline): Uncertain significance (1 of 4 stars; one submission).

Allele frequency attached by ClinVar (database versions not stated): TOPMed below 0.00001; ExAC 0.00001; gnomAD 0.00001.
gnomAD v4.1: 4 of 1,614,060 alleles (0.00025%); highest among the groups gnomAD compares: East Asian, 0.0089%; no homozygotes.

Submission:

Ambry Genetics
Classification: Uncertain significance. Last evaluated: 2024-06-07. Review status: criteria provided, single submitter. Criteria: Ambry Variant Classification Scheme 2023. Collection method: clinical testing. Allele origin: germline.
Comment: The p.Y318N variant (also known as c.952T>A), located in coding exon 3 of the ALPK2 gene, results from a T to A substitution at nucleotide position 952. The tyrosine at codon 318 is replaced by asparagine, an amino acid with dissimilar properties. This amino acid position is conserved. In addition, this alteration is predicted to be tolerated by in silico analysis. Since supporting evidence is limited at this time, the clinical significance of this alteration remains unclear.